The following is an entry in ClinVar:

ClinVar aggregate classification (germline): Uncertain significance (1 of 4 stars; one submission).

gnomAD v4.1: 54 of 1,546,934 alleles (0.0035%); highest among the groups gnomAD compares: Non-Finnish European, 0.00027%; no homozygotes.

Submission:

GeneDx
Classification: Uncertain significance. Last evaluated: 2026-02-25. Review status: criteria provided, single submitter. Criteria: GeneDx Variant Classification Process June 2021. Collection method: clinical testing. Allele origin: germline.
Comment: In silico analysis suggests that this missense variant does not alter protein structure/function; Has not been previously published as pathogenic or benign to our knowledge

NM_005006.7(NDUFS1):c.43A>G (p.Lys15Glu)

Gene: NDUFS1 (NADH:ubiquinone oxidoreductase core subunit S1; minus strand). Cytogenetic location: 2q33.3.
Variant type: single nucleotide variant.
Coding change: c.43A>G on transcript NM_005006.7 (MANE Select); coding-DNA position 43, A replaced by G.
Protein change: p.Lys15Glu; replaces lysine 15 with glutamic acid.
Molecular consequence: missense variant. On other transcripts: 5 prime UTR variant (2).
Genome position (GRCh38, 1-based): chr2:206,153,636, T>C on the plus strand (A>G on the coding strand, the complement: NDUFS1 is on the minus strand). VCF-style: chr2-206153636-T-C. GRCh37 (hg19) VCF-style: chr2-207018360-T-C.
Other names: c.43A>G, p.Lys15Glu (NM_001199981.2); c.-14A>G (NM_001199982.2); c.-37A>G (NM_001199983.2); c.85A>G, p.Lys29Glu (NM_001199984.2); short protein forms K15E, K29E.
Identifiers: ClinVar variation 4887859 (VCV004887859.1).
Genomic context (GRCh38, chr2:206,153,636, plus strand): 5'-AAGGTCTAATATCCACGAATGCAAATTTAAGAAAATACTCACCACATCCTTTAGGAGACT[T>C]AGAAAGGCCTACTAAGGCCTTTCTTACAGGTATCCTTAACATATTGCTAAAAATAAAACA-3'
Protein context (NP_004997.4, residues 5-25): PVRKALVGLS[Lys15Glu]SPKGCVRTTA